The following is an entry in ClinVar:

NM_001360016.2(G6PD):c.1175T>G (p.Ile392Ser)

Gene: G6PD (glucose-6-phosphate dehydrogenase; minus strand). Cytogenetic location: Xq28.
Variant type: single nucleotide variant.
Coding change: c.1175T>G on transcript NM_001360016.2 (MANE Select); coding-DNA position 1175, T replaced by G.
Protein change: p.Ile392Ser; replaces isoleucine 392 with serine.
Molecular consequence: missense variant.
Genome position (GRCh38, 1-based): chrX:154,532,679, A>C on the plus strand (T>G on the coding strand, the complement: G6PD is on the minus strand). VCF-style: chrX-154532679-A-C. GRCh37 (hg19) VCF-style: chrX-153760894-A-C.
Other names: NC_000023.10:g.153760894A>C; c.1265T>G, p.Ile422Ser (NM_000402.4); c.1175T>G, p.Ile392Ser (NM_001042351.3); short protein forms I422S, I392S.
Identifiers: ClinVar variation 4479497 (VCV004479497.2).
Genomic context (GRCh38, chrX:154,532,679, plus strand): 5'-AACATGCCCGGCTTCTTGGTCATCATCTTGGTGTACACGGCCTCGTTGGGCTGCACGCGG[A>C]TCACCAGCTCGTTGCGCTTGCACTGCTGGTGGAAGATGTCGCCGGCCACATCATGGAACT-3'
Protein context (NP_001346945.1, residues 382-402): HQQCKRNELV[Ile392Ser]RVQPNEAVYT

ClinVar aggregate classification (germline): Likely pathogenic (1 of 4 stars; one submission).

Conditions:
Anemia, nonspherocytic hemolytic, due to G6PD deficiency (CNSHA1). Also called: Hemolytic anemia due to G6PD deficiency; Class I glucose-6-phosphate dehydrogenase deficiency; Favism, susceptibility to; ANEMIA, CONGENITAL, NONSPHEROCYTIC HEMOLYTIC, 1. Identifiers: Orphanet 466026, MedGen C2720289, MONDO:0010480, OMIM 300908.

Submissions (2):

Labcorp Genetics (formerly Invitae), Labcorp
Classification: Likely pathogenic for Anemia, nonspherocytic hemolytic, due to G6PD deficiency. Last evaluated: 2025-12-16. Review status: criteria provided, single submitter. Criteria: Invitae Variant Classification Sherloc (09022015). Collection method: clinical testing. Allele origin: germline.
Comment: This sequence change replaces isoleucine, which is neutral and non-polar, with serine, which is neutral and polar, at codon 392 of the G6PD protein (p.Ile392Ser). This variant is not present in population databases (gnomAD no frequency). This missense change has been observed in individual(s) with glucose-6-phosphate dehydrogenase deficiency (internal data). Invitae Evidence Modeling of protein sequence and biophysical properties (such as structural, functional, and spatial information, amino acid conservation, physicochemical variation, residue mobility, and thermodynamic stability) indicates that this missense variant is expected to disrupt G6PD protein function with a positive predictive value of 95%. This variant disrupts the p.Ile392 amino acid residue in G6PD. Other variant(s) that disrupt this residue have been observed in individuals with G6PD-related conditions (PMID: 18066402), which suggests that this may be a clinically significant amino acid residue. In summary, the currently available evidence indicates that the variant is pathogenic, but additional data are needed to prove that conclusively. Therefore, this variant has been classified as Likely Pathogenic.

Dr. Peter K. Rogan Lab, Western University
No classification provided (evidence only). Condition: Nonpapillary renal cell carcinoma. Review status: no classification provided. Collection method: in vitro. Allele origin: not applicable. Functional consequence: retained intron. Not counted in ClinVar's aggregate classification.

Literature cited by the submitters: PubMed 18066402 (cited by Labcorp Genetics (formerly Invitae), Labcorp).